The following is an entry in ClinVar:

ClinVar aggregate classification (germline): Pathogenic. Review status: criteria provided, multiple submitters, no conflicts (2 of 4 stars). 3 submissions from 3 submitters: Pathogenic (3). Last evaluated 2025-09-10.

Conditions:
Autosomal recessive nonsyndromic hearing loss 28. Identifiers: Orphanet 90636, MedGen C1853276, MONDO:0012355, OMIM 609823.

Allele frequency attached by ClinVar (database versions not stated): gnomAD exomes below 0.00001; TOPMed below 0.00001.
gnomAD v4.1: 4 of 1,613,912 alleles (0.00025%); highest among the groups gnomAD compares: Non-Finnish European, 0.00034%; no homozygotes.

Submissions (3):

Genomic Medicine Center of Excellence, King Faisal Specialist Hospital and Research Centre
Classification: Pathogenic for Autosomal recessive nonsyndromic hearing loss 28. Last evaluated: 2025-09-10. Review status: criteria provided, single submitter. Criteria: ACMG Guidelines, 2015. Collection method: clinical testing. Allele origin: germline.

Victorian Clinical Genetics Services, Murdoch Childrens Research Institute
Classification: Pathogenic for Autosomal recessive nonsyndromic hearing loss 28. Last evaluated: 2024-09-20. Review status: criteria provided, single submitter. Criteria: ACMG Guidelines, 2015. Collection method: clinical testing. Allele origin: germline. Inheritance: Autosomal recessive inheritance. Affected: yes.
Comment: Based on the classification scheme VCGS_Germline_v1.3.4, this variant is classified as Pathogenic. Following criteria are met: 0102 - Loss of function is a known mechanism of disease in this gene and is associated with autosomal recessive deafness 28 (MIM#609823). (I) 0106 - This gene is associated with autosomal recessive disease. (I) 0201 - Variant is predicted to cause nonsense-mediated decay (NMD) and loss of protein (premature termination codon is located at least 54 nucleotides upstream of the final exon-exon junction). (SP) 0251 - This variant is heterozygous. (I) 0301 - Variant is absent from gnomAD (both v2 and v3). (SP) 0701 - Other NMD-predicted variants comparable to the one identified in this case have very strong previous evidence for pathogenicity. Many NMD-predicted variants have previously been reported as pathogenic in patients with autosomal recessive deafness 28 (MIM#609823) (ClinVar). (SP) 0803 - This variant has limited previous evidence of pathogenicity in an unrelated individual. This variant has been reported in a compound heterozygous individual with bilateral profound congenital hearing loss (PMID: 24853665). (SP) 0905 - No published segregation evidence has been identified for this variant. (I) 1007 - No published functional evidence has been identified for this variant. (I) 1208 - Inheritance information for this variant is not currently available in this individual. (I) Legend: (SP) - Supporting pathogenic, (I) - Information, (SB) - Supporting benign

Revvity Omics, Revvity
Classification: Pathogenic for Autosomal recessive nonsyndromic hearing loss 28. Last evaluated: 2024-05-17. Review status: criteria provided, single submitter. Criteria: ACMG Guidelines, 2015. Collection method: clinical testing. Allele origin: germline.

Literature cited by the submitters: PubMed 24853665 (cited by Victorian Clinical Genetics Services, Murdoch Childrens Research Institute).

NM_001039141.3(TRIOBP):c.2758C>T (p.Arg920Ter)

Gene: TRIOBP (TRIO and F-actin binding protein; plus strand). Cytogenetic location: 22q13.1.
Variant type: single nucleotide variant.
Coding change: c.2758C>T on transcript NM_001039141.3 (MANE Select); coding-DNA position 2758, C replaced by T.
Protein change: p.Arg920Ter; replaces arginine 920 with a stop codon.
Molecular consequence: nonsense.
Genome position (GRCh38, 1-based): chr22:37,725,314, C>T. VCF-style: chr22-37725314-C-T. GRCh37 (hg19) VCF-style: chr22-38121321-C-T.
Other names: short protein forms R920*.
Identifiers: ClinVar variation 3255083 (VCV003255083.4), dbSNP rs1328461856.